The following is an entry in ClinVar:

NM_001370259.2(MEN1):c.1406_1413dup (p.Gly472fs)

Gene: MEN1 (menin 1; minus strand). Cytogenetic location: 11q13.1.
Variant type: Duplication.
Coding change: c.1406_1413dup on transcript NM_001370259.2 (MANE Select); coding-DNA positions 1406 to 1413, 8 bases duplicated (AGCCGTGG; older notation c.1406_1413dupAGCCGTGG).
Protein change: p.Gly472fs; shifts the reading frame from glycine 472.
Molecular consequence: frameshift variant.
Genome position (GRCh38, 1-based): chr11:64,804,754-64,804,761, CCACGGCT duplicated on the plus strand (AGCCGTGG on the coding strand, the reverse complement: MEN1 is on the minus strand); duplicating any 8 consecutive bases within chr11:64,804,754-64,804,763 gives the same sequence; the c. name uses the placement nearest the transcript's 3' end. VCF-style (leftmost placement, unchanged base first): chr11-64804753-C-CCCACGGCT. GRCh37 (hg19) VCF-style: chr11-64572225-C-CCCACGGCT.
Other names: c.1406_1413dupAGCCGTGG (NM_130799.2); c.1421_1428dup, p.Gly477fs (NM_000244.4, NM_130800.3, NM_130801.3 and 3 more transcripts); c.1532_1539dup, p.Gly514fs (NM_001370251.2); c.1406_1413dup, p.Gly472fs (NM_001370260.2, NM_001370261.2, NM_130799.3); c.1301_1308dup, p.Gly437fs (NM_001370262.2, NM_001370263.2); short protein forms G477fs, G514fs, G437fs, G472fs.
Identifiers: ClinVar variation 428080 (VCV000428080.14), dbSNP rs1114167536, ClinGen allele CA645369556.

ClinVar aggregate classification (germline): Pathogenic. Review status: criteria provided, multiple submitters, no conflicts (2 of 4 stars). 2 submissions from 2 submitters: Pathogenic (2). Last evaluated 2024-10-07.

Conditions:
Hereditary cancer-predisposing syndrome. Also called: Hereditary neoplastic syndrome; Tumor predisposition; Neoplastic Syndromes, Hereditary; Hereditary Cancer Syndrome. Identifiers: Orphanet 140162, MedGen C0027672, MeSH D009386, MONDO:0015356.
Multiple endocrine neoplasia, type 1 (MEN1). Also called: MEN I; Endocrine adenomatosis multiple; MEN 1; WERMER SYNDROME; MEA I. Identifiers: Orphanet 652, MedGen C0025267, MeSH D018761, MONDO:0007540, OMIM 131100.

Submissions (2):

Labcorp Genetics (formerly Invitae), Labcorp
Classification: Pathogenic for Multiple endocrine neoplasia, type 1. Last evaluated: 2024-10-07. Review status: criteria provided, single submitter. Criteria: Invitae Variant Classification Sherloc (09022015). Collection method: clinical testing. Allele origin: germline.
Comment: This sequence change creates a premature translational stop signal (p.Gly472Serfs*90) in the MEN1 gene. While this is not anticipated to result in nonsense mediated decay, it is expected to disrupt the last 139 amino acid(s) of the MEN1 protein. This variant is not present in population databases (gnomAD no frequency). This premature translational stop signal has been observed in individuals with a personal or family history of multiple endocrine neoplasia, type 1 (PMID: 15714081, 19491073). ClinVar contains an entry for this variant (Variation ID: 428080). This variant disrupts the NLS2 domain of the MEN1 protein, which is important for DNA binding and repression of cell proliferation (PMID: 15331604, 16449969). While functional studies have not been performed to directly test the effect of this variant on MEN1 protein function, this suggests that disruption of this region of the protein is causative of disease. For these reasons, this variant has been classified as Pathogenic.

Ambry Genetics
Classification: Pathogenic for Hereditary cancer-predisposing syndrome. Last evaluated: 2021-07-19. Review status: criteria provided, single submitter. Criteria: Ambry Variant Classification Scheme 2023. Collection method: clinical testing. Allele origin: germline.
Comment: The c.1406_1413dupAGCCGTGG pathogenic mutation, located in coding exon 9 of the MEN1 gene, results from a duplication of 8 nucleotides at nucleotide position 1406, causing a translational frameshift with a predicted alternate stop codon (p.G472Sfs*90). Another study found this mutation in 1/288 probands having at least two features of multiple endocrine neoplasia type 1 (MEN1) or at least one feature of MEN1 and a family history of at least one affected relative (Klein RD et al. Genet. Med. 2005 Feb;7:131-8). In addition to the clinical data presented in the literature, this alteration is expected to result in loss of function by premature protein truncation. As such, this alteration is interpreted as a disease-causing mutation.

Literature cited by the submitters: PubMed 15714081 (cited by Labcorp Genetics (formerly Invitae), Labcorp and Ambry Genetics); PubMed 19491073 (cited by Labcorp Genetics (formerly Invitae), Labcorp and Ambry Genetics); PubMed 15331604 (cited by Labcorp Genetics (formerly Invitae), Labcorp); PubMed 16449969 (cited by Labcorp Genetics (formerly Invitae), Labcorp); PubMed 28881068 (cited by Ambry Genetics).